The following is an entry in ClinVar:

NM_001367721.1(CASK):c.434A>G (p.His145Arg)

Gene: CASK (calcium/calmodulin dependent serine protein kinase; minus strand). Cytogenetic location: Xp11.4.
Variant type: single nucleotide variant.
Coding change: c.434A>G on transcript NM_001367721.1 (MANE Select); coding-DNA position 434, A replaced by G.
Protein change: p.His145Arg; replaces histidine 145 with arginine.
Molecular consequence: missense variant.
Genome position (GRCh38, 1-based): chrX:41,671,526, T>C on the plus strand (A>G on the coding strand, the complement: CASK is on the minus strand). VCF-style: chrX-41671526-T-C. GRCh37 (hg19) VCF-style: chrX-41530779-T-C.
Other names: c.434A>G, p.His145Arg (NM_001126054.3, NM_001126055.3, NM_001410745.1 and 1 more transcripts); short protein forms H145R.
Identifiers: ClinVar variation 1001367 (VCV001001367.8), dbSNP rs2067197587, ClinGen allele CA412999107.

ClinVar aggregate classification (germline): Uncertain significance (1 of 4 stars; one submission).

Conditions:
Intellectual disability, CASK-related, X-linked. Identifiers: MedGen CN043158.

Submission:

Labcorp Genetics (formerly Invitae), Labcorp
Classification: Uncertain significance for Intellectual disability, CASK-related, X-linked. Last evaluated: 2020-05-26. Review status: criteria provided, single submitter. Criteria: Invitae Variant Classification Sherloc (09022015). Collection method: clinical testing. Allele origin: germline.
Comment: This sequence change replaces histidine with arginine at codon 145 of the CASK protein (p.His145Arg). The histidine residue is highly conserved and there is a small physicochemical difference between histidine and arginine. This variant is not present in population databases (ExAC no frequency). This variant has not been reported in the literature in individuals with CASK-related conditions. Algorithms developed to predict the effect of missense changes on protein structure and function are either unavailable or do not agree on the potential impact of this missense change (SIFT: "Deleterious"; PolyPhen-2: "Benign"; Align-GVGD: "Class C0"). In summary, the available evidence is currently insufficient to determine the role of this variant in disease. Therefore, it has been classified as a Variant of Uncertain Significance.